The following is an entry in ClinVar:

ClinVar aggregate classification (germline): Uncertain significance (1 of 4 stars; one submission).

Conditions:
Ehlers-Danlos syndrome, classic type, 1 (EDSCL1). Also called: EHLERS-DANLOS SYNDROME, GRAVIS TYPE; EHLERS-DANLOS SYNDROME, SEVERE CLASSIC TYPE; Ehlers-Danlos syndrome, type 1; Ehlers-Danlos Syndrome, Classic Type, COL5A1-Related; EDS I. Identifiers: MedGen C0268335, MONDO:0019567, OMIM 130000.

gnomAD v4.1: 4 of 1,614,138 alleles (0.00025%); highest among the groups gnomAD compares: African/African-American, 0.0053%; no homozygotes.

Submission:

Labcorp Genetics (formerly Invitae), Labcorp
Classification: Uncertain significance for Ehlers-Danlos syndrome, classic type, 1. Last evaluated: 2026-01-11. Review status: criteria provided, single submitter. Criteria: Invitae Variant Classification Sherloc (09022015). Collection method: clinical testing. Allele origin: germline.
Comment: This sequence change replaces threonine, which is neutral and polar, with isoleucine, which is neutral and non-polar, at codon 1791 of the COL5A1 protein (p.Thr1791Ile). This variant is not present in population databases (gnomAD no frequency). This variant has not been reported in the literature in individuals affected with COL5A1-related conditions. Experimental studies and prediction algorithms are not available or were not evaluated, and the functional significance of this variant is currently unknown. In summary, the available evidence is currently insufficient to determine the role of this variant in disease. Therefore, it has been classified as a Variant of Uncertain Significance.

NM_000093.5(COL5A1):c.5372C>T (p.Thr1791Ile)

Genes: COL5A1 (collagen type V alpha 1 chain; plus strand), LOC101448202 (uncharacterized LOC101448202; minus strand). Cytogenetic location: 9q34.3.
Variant type: single nucleotide variant.
Coding change: c.5372C>T on transcript NM_000093.5 (MANE Select); coding-DNA position 5372, C replaced by T.
Protein change: p.Thr1791Ile; replaces threonine 1791 with isoleucine.
Molecular consequence: missense variant.
Genome position (GRCh38, 1-based): chr9:134,842,158, C>T. VCF-style: chr9-134842158-C-T. GRCh37 (hg19) VCF-style: chr9-137734004-C-T.
Other names: c.5372C>T, p.Thr1791Ile (NM_001278074.1); short protein forms T1791I.
Identifiers: ClinVar variation 4737186 (VCV004737186.1).